The following is an entry in ClinVar:

NM_001206927.2(DNAH8):c.12578A>T (p.Glu4193Val)

Gene: DNAH8 (dynein axonemal heavy chain 8; plus strand). Cytogenetic location: 6p21.2.
Variant type: single nucleotide variant.
Coding change: c.12578A>T on transcript NM_001206927.2 (MANE Select); coding-DNA position 12578, A replaced by T.
Protein change: p.Glu4193Val; replaces glutamic acid 4193 with valine.
Molecular consequence: missense variant.
Genome position (GRCh38, 1-based): chr6:38,973,713, A>T. VCF-style: chr6-38973713-A-T. GRCh37 (hg19) VCF-style: chr6-38941489-A-T.
Other names: p.Glu4193Val; c.11927A>T, p.Glu3976Val (NM_001371.4); short protein forms E3976V, E4193V.
Identifiers: ClinVar variation 3379675 (VCV003379675.1).

ClinVar aggregate classification (germline): Uncertain significance (1 of 4 stars; one submission).

gnomAD v4.1: 1 of 1,609,468 alleles (0.000062%); highest among the groups gnomAD compares: East Asian, 0.0023%; no homozygotes.

Submission:

Mayo Clinic Laboratories, Mayo Clinic
Classification: Uncertain significance. Last evaluated: 2024-06-25. Review status: criteria provided, single submitter. Criteria: ACMG Guidelines, 2015. Collection method: clinical testing. Allele origin: germline. Observed: 1 variant allele.
Comment: PM2